The following is an entry in ClinVar:

NM_001365276.2(TNXB):c.7396G>A (p.Val2466Met)

Gene: TNXB (tenascin XB; minus strand). Cytogenetic location: 6p21.33.
Variant type: single nucleotide variant.
Coding change: c.7396G>A on transcript NM_001365276.2 (MANE Select); coding-DNA position 7396, G replaced by A.
Protein change: p.Val2466Met; replaces valine 2466 with methionine.
Molecular consequence: missense variant.
Genome position (GRCh38, 1-based): chr6:32,061,493, C>T on the plus strand (G>A on the coding strand, the complement: TNXB is on the minus strand). VCF-style: chr6-32061493-C-T. GRCh37 (hg19) VCF-style: chr6-32029270-C-T.
Other names: c.7396G>A, p.Val2466Met (NM_019105.8); short protein forms V2466M.
Identifiers: ClinVar variation 1300909 (VCV001300909.5), dbSNP rs369070722, ClinGen allele CA3734167.
Genomic context (GRCh38, chr6:32,061,493, plus strand): 5'-GCCCCTCGTGGAGGCCATACAGGTGCATCTTGTATTTGCGCCCAGGCTCCAGGCCCCCCA[C>T]GGTGACCTCGCTCTCCTCGCCCCCAACACGCACCACCTGGGGCCGCCCGTCCCTGTCCTT-3'
Protein context (NP_001352205.1, residues 2456-2476): RVGGEESEVT[Val2466Met]GGLEPGRKYK

ClinVar aggregate classification (germline): Uncertain significance. Review status: criteria provided, multiple submitters, no conflicts (2 of 4 stars). 2 submissions from 2 submitters: Uncertain significance (2). Last evaluated 2023-05-03.

Conditions:
Cardiovascular phenotype. Identifiers: MedGen CN230736.

Allele frequency attached by ClinVar (database versions not stated): ESP Exome Variant Server 0.00013; ExAC 0.00003; gnomAD exomes 0.00003.
gnomAD v4.1: 23 of 1,613,452 alleles (0.0014%); highest among the groups gnomAD compares: Admixed American, 0.022%; no homozygotes.

Submissions (2):

GeneDx
Classification: Uncertain significance. Last evaluated: 2023-05-03. Review status: criteria provided, single submitter. Criteria: GeneDx Variant Classification Process June 2021. Collection method: clinical testing. Allele origin: germline. Affected: yes.
Comment: Has not been previously published as pathogenic or benign to our knowledge; In silico analysis supports that this missense variant does not alter protein structure/function

Ambry Genetics
Classification: Uncertain significance for Cardiovascular phenotype. Last evaluated: 2022-02-11. Review status: criteria provided, single submitter. Criteria: Ambry Variant Classification Scheme 2023. Collection method: clinical testing. Allele origin: germline.